The following is an entry in ClinVar:

ClinVar aggregate classification (germline): Uncertain significance. Review status: criteria provided, multiple submitters, no conflicts (2 of 4 stars). 3 submissions from 3 submitters: Uncertain significance (3). Last evaluated 2025-11-12.

Conditions:
Hereditary cancer-predisposing syndrome. Also called: Hereditary neoplastic syndrome; Neoplastic Syndromes, Hereditary; Tumor predisposition; Hereditary Cancer Syndrome. Identifiers: Orphanet 140162, MedGen C0027672, MeSH D009386, MONDO:0015356.
Microcephaly, normal intelligence and immunodeficiency (NBS). Also called: IMMUNODEFICIENCY, MICROCEPHALY, AND CHROMOSOMAL INSTABILITY; SEEMANOVA SYNDROME II; Nijmegen breakage syndrome; Microcephaly with normal intelligence immunodeficiency and lymphoreticular malignancies; Nonsyndromal microcephaly autosomal recessive with normal intelligence; Seemanova syndrome 2. Identifiers: Orphanet 647, MedGen C0398791, MONDO:0009623, OMIM 251260.

Allele frequency attached by ClinVar (database versions not stated): TOPMed below 0.00001.

Submissions (3):

Labcorp Genetics (formerly Invitae), Labcorp
Classification: Uncertain significance for Microcephaly, normal intelligence and immunodeficiency. Last evaluated: 2025-11-12. Review status: criteria provided, single submitter. Criteria: Invitae Variant Classification Sherloc (09022015). Collection method: clinical testing. Allele origin: germline.
Comment: This sequence change replaces glutamine, which is neutral and polar, with histidine, which is basic and polar, at codon 492 of the NBN protein (p.Gln492His). This variant is not present in population databases (gnomAD no frequency). This variant has not been reported in the literature in individuals affected with NBN-related conditions. ClinVar contains an entry for this variant (Variation ID: 481866). An algorithm developed to predict the effect of missense changes on protein structure and function (PolyPhen-2) suggests that this variant is likely to be tolerated. In summary, the available evidence is currently insufficient to determine the role of this variant in disease. Therefore, it has been classified as a Variant of Uncertain Significance.

Ambry Genetics
Classification: Uncertain significance for Hereditary cancer-predisposing syndrome. Last evaluated: 2024-06-29. Review status: criteria provided, single submitter. Criteria: Ambry Variant Classification Scheme 2023. Collection method: clinical testing. Allele origin: germline.
Comment: The p.Q492H variant (also known as c.1476A>C), located in coding exon 11 of the NBN gene, results from an A to C substitution at nucleotide position 1476. The glutamine at codon 492 is replaced by histidine, an amino acid with highly similar properties. This amino acid position is well conserved in available vertebrate species. In addition, this alteration is predicted to be tolerated by in silico analysis. Since supporting evidence is limited at this time, the clinical significance of this alteration remains unclear.

Genome-Nilou Lab
Classification: Uncertain significance for Microcephaly, normal intelligence and immunodeficiency. Last evaluated: 2021-11-07. Review status: criteria provided, single submitter. Criteria: ACMG Guidelines, 2015. Collection method: clinical testing. Allele origin: germline. Affected: no.

NM_002485.5(NBN):c.1476A>C (p.Gln492His)

Gene: NBN (nibrin; minus strand). Cytogenetic location: 8q21.3.
Variant type: single nucleotide variant.
Coding change: c.1476A>C on transcript NM_002485.5 (MANE Select); coding-DNA position 1476, A replaced by C.
Protein change: p.Gln492His; replaces glutamine 492 with histidine.
Molecular consequence: missense variant.
Genome position (GRCh38, 1-based): chr8:89,953,613, T>G on the plus strand (A>C on the coding strand, the complement: NBN is on the minus strand). VCF-style: chr8-89953613-T-G. GRCh37 (hg19) VCF-style: chr8-90965841-T-G.
Other names: c.1230A>C, p.Gln410His (NM_001024688.3); short protein forms Q492H, Q410H.
Identifiers: ClinVar variation 481866 (VCV000481866.17), dbSNP rs1382919150, ClinGen allele CA371655776.